The following is an entry in ClinVar:

NM_031844.3(HNRNPU):c.1616T>A (p.Val539Glu)

Gene: HNRNPU (heterogeneous nuclear ribonucleoprotein U; minus strand). Cytogenetic location: 1q44.
Variant type: single nucleotide variant.
Coding change: c.1616T>A on transcript NM_031844.3 (MANE Select); coding-DNA position 1616, T replaced by A.
Protein change: p.Val539Glu; replaces valine 539 with glutamic acid.
Molecular consequence: missense variant.
Genome position (GRCh38, 1-based): chr1:244,856,855, A>T on the plus strand (T>A on the coding strand, the complement: HNRNPU is on the minus strand). VCF-style: chr1-244856855-A-T. GRCh37 (hg19) VCF-style: chr1-245020157-A-T.
Other names: c.1559T>A, p.Val520Glu (NM_004501.3); short protein forms V520E, V539E.
Identifiers: ClinVar variation 3369244 (VCV003369244.1).

ClinVar aggregate classification (germline): Uncertain significance (1 of 4 stars; one submission).

Submission:

GeneDx
Classification: Uncertain significance. Last evaluated: 2024-02-13. Review status: criteria provided, single submitter. Criteria: GeneDx Variant Classification Process June 2021. Collection method: clinical testing. Allele origin: germline. Affected: yes.
Comment: Not observed at significant frequency in large population cohorts (gnomAD); In silico analysis supports that this missense variant has a deleterious effect on protein structure/function; Has not been previously published as pathogenic or benign to our knowledge